The following is an entry in ClinVar:

Conditions:
Long QT syndrome 5 (LQT5). Identifiers: Orphanet 101016, Orphanet 768, MedGen C1867904, MONDO:0013372, OMIM 613695.

Submission:

Roden Lab, Vanderbilt University Medical Center
No classification provided (evidence only). Condition: Long QT syndrome 5. Review status: no classification provided. Collection method: in vitro. Allele origin: not applicable. Functional consequence: Effect on ion channel function.
ClinVar note: "not provided" was previously submitted as the classification for the variant. However, the classification appeared to be based only on an observation of functional data so it was converted to no classification on 2025-07-30.

NM_000219.6(KCNE1):c.53A>T (p.Gln18Leu)

Gene: KCNE1 (potassium voltage-gated channel subfamily E regulatory subunit 1; minus strand). Cytogenetic location: 21q22.12.
Variant type: single nucleotide variant.
Coding change: c.53A>T on transcript NM_000219.6 (MANE Select); coding-DNA position 53, A replaced by T.
Protein change: p.Gln18Leu; replaces glutamine 18 with leucine.
Molecular consequence: missense variant.
Genome position (GRCh38, 1-based): chr21:34,449,582, T>A on the plus strand (A>T on the coding strand, the complement: KCNE1 is on the minus strand). VCF-style: chr21-34449582-T-A. GRCh37 (hg19) VCF-style: chr21-35821880-T-A.
Other names: c.53A>T, p.Gln18Leu (NM_001127670.4, NM_001270402.3, NM_001270403.2 and 4 more transcripts); short protein forms Q18L.
Identifiers: ClinVar variation 3373918 (VCV003373918.2).